The following is an entry in ClinVar:

NM_006950.3(SYN1):c.65T>A (p.Met22Lys)

Gene: SYN1 (synapsin I; minus strand). Cytogenetic location: Xp11.23.
Variant type: single nucleotide variant.
Coding change: c.65T>A on transcript NM_006950.3 (MANE Select); coding-DNA position 65, T replaced by A.
Protein change: p.Met22Lys; replaces methionine 22 with lysine.
Molecular consequence: missense variant.
Genome position (GRCh38, 1-based): chrX:47,619,664, A>T on the plus strand (T>A on the coding strand, the complement: SYN1 is on the minus strand). VCF-style: chrX-47619664-A-T. GRCh37 (hg19) VCF-style: chrX-47479063-A-T.
Other names: c.65T>A, p.Met22Lys (NM_133499.2); short protein forms M22K.
Identifiers: ClinVar variation 4632502 (VCV004632502.1).
Genomic context (GRCh38, chrX:47,619,664, plus strand): 5'-GCTCCGGGGCTGTGGGCACCGGGCGGCGGTGGGGGCGGCTGCGGACGCTGCAGGTCTGTC[A>T]TGTACCCATTTGGCAGATTGGCCATAAAGTTGCTGTCCGACAGGCGGCGCCGCAGGTAGT-3'
Protein context (NP_008881.2, residues 12-32): NFMANLPNGY[Met22Lys]TDLQRPQPPP

ClinVar aggregate classification (germline): Uncertain significance (1 of 4 stars; one submission).

Conditions:
Inborn genetic diseases. Identifiers: MedGen C0950123, MeSH D030342.

gnomAD v4.1: 2 of 1,168,029 alleles (0.00017%); highest among the groups gnomAD compares: Non-Finnish European, 0.00011%; no homozygotes.

Submission:

Ambry Genetics
Classification: Uncertain significance for Inborn genetic diseases. Last evaluated: 2025-10-21. Review status: criteria provided, single submitter. Criteria: Ambry Variant Classification Scheme 2023. Collection method: clinical testing. Allele origin: germline.
Comment: The c.65T>A (p.M22K) alteration is located in exon 1 (coding exon 1) of the SYN1 gene. This alteration results from a T to A substitution at nucleotide position 65, causing the methionine (M) at amino acid position 22 to be replaced by a lysine (K). Based on data from gnomAD, the A allele has an overall frequency of 0.001% (1/109772) total alleles studied. The highest observed frequency was 0.003% (1/40525) of European (non-Finnish) alleles. Based on insufficient or conflicting evidence, the clinical significance of this alteration remains unclear.